The following is an entry in ClinVar:

ClinVar aggregate classification (germline): Uncertain significance. Review status: criteria provided, multiple submitters, no conflicts (2 of 4 stars). 2 submissions from 2 submitters: Uncertain significance (2). Last evaluated 2025-08-12.

Conditions:
TTN-related disorder. Also called: TTN-related condition; TTN-related disease; TTN-related disorders.

gnomAD v4.1: 39 of 1,613,850 alleles (0.0024%); highest among the groups gnomAD compares: East Asian, 0.0045%; no homozygotes.

Submissions (2):

PreventionGenetics, part of Exact Sciences
Classification: Uncertain significance for TTN-related condition. Last evaluated: 2025-08-12. Review status: criteria provided, single submitter. Criteria: ACMG Guidelines, 2015. Collection method: clinical testing. Allele origin: germline.
Comment: The TTN c.3409G>A variant is predicted to result in the amino acid substitution p.Gly1137Ser. To our knowledge, this variant has not been reported in the literature. This variant is reported in 0.011% of alleles in individuals of East Asian descent in gnomAD. At this time, the clinical significance of this variant is uncertain due to the absence of conclusive functional and genetic evidence.

Revvity Omics, Revvity
Classification: Uncertain significance. Last evaluated: 2023-10-20. Review status: criteria provided, single submitter. Criteria: ACMG Guidelines, 2015. Collection method: clinical testing. Allele origin: germline.

NM_001267550.2(TTN):c.3409G>A (p.Gly1137Ser)

Gene: TTN (titin; minus strand). Cytogenetic location: 2q31.2.
Variant type: single nucleotide variant.
Coding change: c.3409G>A on transcript NM_001267550.2 (MANE Select); coding-DNA position 3409, G replaced by A.
Protein change: p.Gly1137Ser; replaces glycine 1137 with serine.
Molecular consequence: missense variant.
Genome position (GRCh38, 1-based): chr2:178,781,235, C>T on the plus strand (G>A on the coding strand, the complement: TTN is on the minus strand). VCF-style: chr2-178781235-C-T. GRCh37 (hg19) VCF-style: chr2-179645962-C-T.
Other names: c.3409G>A, p.Gly1137Ser (NM_001256850.1, NM_133378.4, NM_133379.5); c.3271G>A, p.Gly1091Ser (NM_003319.4, NM_133432.3, NM_133437.4); short protein forms G1091S, G1137S.
Identifiers: ClinVar variation 2437617 (VCV002437617.4), dbSNP rs72647870, ClinGen allele CA2005556.
Genomic context (GRCh38, chr2:178,781,235, plus strand): 5'-CAATAGTGTATTCTCCAGCATCATCAGCAAAAGTCATAGAAATCACCAGCTTGCATTCAC[C>T]GGTTTGTTTGTTGTAACTCACTTTGTATCTTTATGTAAATGTACAAAATTTAAAAATCAG-3'
Protein context (NP_001254479.2, residues 1127-1147): RYKVSYNKQT[Gly1137Ser]ECKLVISMTF